The following is an entry in ClinVar:

NM_001354604.2(MITF):c.422A>G (p.Gln141Arg)

Gene: MITF (melanocyte inducing transcription factor; plus strand). Cytogenetic location: 3p13.
Variant type: single nucleotide variant.
Coding change: c.422A>G on transcript NM_001354604.2 (MANE Select); coding-DNA position 422, A replaced by G.
Protein change: p.Gln141Arg; replaces glutamine 141 with arginine.
Molecular consequence: missense variant. On other transcripts: intron variant (1).
Genome position (GRCh38, 1-based): chr3:69,937,889, A>G. VCF-style: chr3-69937889-A-G. GRCh37 (hg19) VCF-style: chr3-69987040-A-G.
Other names: c.101A>G, p.Gln34Arg (NM_000248.4, NM_001184968.2, NM_198158.3); c.266A>G, p.Gln89Arg (NM_001184967.2, NM_001354608.2); c.419A>G, p.Gln140Arg (NM_001354605.2, NM_001354606.2, NM_006722.3); c.371A>G, p.Gln124Arg (NM_001354607.2); c.422A>G, p.Gln141Arg (NM_198159.3); c.374A>G, p.Gln125Arg (NM_198177.3); c.93+8A>G (NM_198178.3); short protein forms Q140R, Q141R, Q124R, Q34R, Q89R, Q125R.
Identifiers: ClinVar variation 2930353 (VCV002930353.4), dbSNP rs2065879768, ClinGen allele CA353560400.

ClinVar aggregate classification (germline): Uncertain significance. Review status: criteria provided, multiple submitters, no conflicts (2 of 4 stars). 2 submissions from 2 submitters: Uncertain significance (2). Last evaluated 2025-10-13.

Conditions:
Hereditary cancer-predisposing syndrome. Also called: Neoplastic Syndromes, Hereditary; Hereditary neoplastic syndrome; Tumor predisposition; Hereditary Cancer Syndrome. Identifiers: Orphanet 140162, MedGen C0027672, MeSH D009386, MONDO:0015356.
Melanoma, cutaneous malignant, susceptibility to, 8. Also called: Cutaneous malignant melanoma 8; MELANOMA AND RENAL CELL CARCINOMA, SUSCEPTIBILITY TO. Identifiers: Orphanet 293822, MedGen C3152204, MONDO:0013759, OMIM 614456.
Tietz syndrome (TADS). Also called: ALBINISM-DEAFNESS OF TIETZ; HYPOPIGMENTATION/DEAFNESS OF TIETZ; TIETZ ALBINISM-DEAFNESS SYNDROME. Identifiers: Orphanet 42665, MedGen C0391816, MONDO:0007077, OMIM 103500.
Waardenburg syndrome type 2A (WS2A). Also called: WAARDENBURG SYNDROME WITHOUT DYSTOPIA CANTHORUM. Identifiers: Orphanet 3440, MedGen C1860339, MONDO:0008671, OMIM 193510.

Allele frequency attached by ClinVar (database versions not stated): gnomAD exomes 0.00001.
gnomAD v4.1: 11 of 1,614,150 alleles (0.00068%); highest among the groups gnomAD compares: Non-Finnish European, 0.00085%; no homozygotes.

Submissions (2):

Ambry Genetics
Classification: Uncertain significance for Hereditary cancer-predisposing syndrome. Last evaluated: 2025-10-13. Review status: criteria provided, single submitter. Criteria: Ambry Variant Classification Scheme 2023. Collection method: clinical testing. Allele origin: germline.
Comment: The p.Q34R variant (also known as c.101A>G), located in coding exon 2 of the MITF gene, results from an A to G substitution at nucleotide position 101. The glutamine at codon 34 is replaced by arginine, an amino acid with highly similar properties. This amino acid position is conserved. In addition, the in silico prediction for this alteration is inconclusive. Based on the available evidence, the clinical significance of this variant remains unclear.

Labcorp Genetics (formerly Invitae), Labcorp
Classification: Uncertain significance for Melanoma, cutaneous malignant, susceptibility to, 8; Waardenburg syndrome type 2A; Tietz syndrome. Last evaluated: 2025-05-25. Review status: criteria provided, single submitter. Criteria: Invitae Variant Classification Sherloc (09022015). Collection method: clinical testing. Allele origin: germline.
Comment: This sequence change replaces glutamine, which is neutral and polar, with arginine, which is basic and polar, at codon 34 of the MITF protein (p.Gln34Arg). This variant is not present in population databases (gnomAD no frequency). This variant has not been reported in the literature in individuals affected with MITF-related conditions. ClinVar contains an entry for this variant (Variation ID: 2930353). Invitae Evidence Modeling of protein sequence and biophysical properties (such as structural, functional, and spatial information, amino acid conservation, physicochemical variation, residue mobility, and thermodynamic stability) indicates that this missense variant is not expected to disrupt MITF protein function with a negative predictive value of 80%. In summary, the available evidence is currently insufficient to determine the role of this variant in disease. Therefore, it has been classified as a Variant of Uncertain Significance.